The following is an entry in ClinVar:

NM_004115.4(FGF14):c.674C>T (p.Pro225Leu)

Gene: FGF14 (fibroblast growth factor 14; minus strand). Cytogenetic location: 13q33.1.
Variant type: single nucleotide variant.
Coding change: c.674C>T on transcript NM_004115.4 (MANE Select); coding-DNA position 674, C replaced by T.
Protein change: p.Pro225Leu; replaces proline 225 with leucine.
Molecular consequence: missense variant.
Genome position (GRCh38, 1-based): chr13:101,722,901, G>A on the plus strand (C>T on the coding strand, the complement: FGF14 is on the minus strand). VCF-style: chr13-101722901-G-A. GRCh37 (hg19) VCF-style: chr13-102375251-G-A.
Other names: c.422C>T, p.Pro141Leu (NM_001321931.1, NM_001321934.1, NM_001321935.1 and 4 more transcripts); c.485C>T, p.Pro162Leu (NM_001321932.1, NM_001321936.1, NM_001321944.1); c.494C>T, p.Pro165Leu (NM_001321933.1, NM_001321938.2, NM_001321940.1); c.578C>T, p.Pro193Leu (NM_001321939.2); c.488C>T, p.Pro163Leu (NM_001321941.2); c.572C>T, p.Pro191Leu (NM_001321945.2, NM_001321948.2, NM_001379342.1); c.533C>T, p.Pro178Leu (NM_001321947.2); c.689C>T, p.Pro230Leu (NM_175929.3); short protein forms P141L, P162L, P163L, P165L, P178L, P191L, P193L, P225L.
Identifiers: ClinVar variation 4529964 (VCV004529964.1).

ClinVar aggregate classification (germline): Uncertain significance (1 of 4 stars; one submission).

gnomAD v4.1: 1 of 1,613,154 alleles (0.000062%); highest among the groups gnomAD compares: East Asian, 0.0022%; no homozygotes.

Submission:

GeneDx
Classification: Uncertain significance. Last evaluated: 2025-05-13. Review status: criteria provided, single submitter. Criteria: GeneDx Variant Classification Process June 2021. Collection method: clinical testing. Allele origin: germline. Affected: yes.
Comment: In silico analysis suggests that this missense variant does not alter protein structure/function; Has not been previously published as pathogenic or benign to our knowledge